The following is an entry in ClinVar:

ClinVar aggregate classification (germline): Uncertain significance. Review status: criteria provided, multiple submitters, no conflicts (2 of 4 stars). 2 submissions from 2 submitters: Uncertain significance (2). Last evaluated 2023-06-22.

Allele frequency attached by ClinVar (database versions not stated): gnomAD exomes below 0.00001; gnomAD 0.00001.
gnomAD v4.1: 7 of 1,614,090 alleles (0.00043%); highest among the groups gnomAD compares: Non-Finnish European, 0.00034%; no homozygotes.

Submissions (2):

Ambry Genetics
Classification: Uncertain significance. Last evaluated: 2023-06-22. Review status: criteria provided, single submitter. Criteria: Ambry Variant Classification Scheme 2023. Collection method: clinical testing. Allele origin: germline.

Labcorp Genetics (formerly Invitae), Labcorp
Classification: Uncertain significance. Last evaluated: 2022-11-25. Review status: criteria provided, single submitter. Criteria: Invitae Variant Classification Sherloc (09022015). Collection method: clinical testing. Allele origin: germline.
Comment: This variant has not been reported in the literature in individuals affected with FAT2-related conditions. This variant is present in population databases (no rsID available, gnomAD 0.007%). This sequence change replaces glycine, which is neutral and non-polar, with tryptophan, which is neutral and slightly polar, at codon 3376 of the FAT2 protein (p.Gly3376Trp). Algorithms developed to predict the effect of missense changes on protein structure and function (SIFT, PolyPhen-2, Align-GVGD) all suggest that this variant is likely to be disruptive. In summary, the available evidence is currently insufficient to determine the role of this variant in disease. Therefore, it has been classified as a Variant of Uncertain Significance.

NM_001447.3(FAT2):c.10126G>T (p.Gly3376Trp)

Genes: FAT2 (FAT atypical cadherin 2; minus strand), SLC36A1 (solute carrier family 36 member 1; plus strand). Cytogenetic location: 5q33.1.
Variant type: single nucleotide variant.
Coding change: c.10126G>T on transcript NM_001447.3 (MANE Select); coding-DNA position 10126, G replaced by T.
Protein change: p.Gly3376Trp; replaces glycine 3376 with tryptophan.
Molecular consequence: missense variant.
Genome position (GRCh38, 1-based): chr5:151,528,034, C>A on the plus strand (G>T on the coding strand, the complement: FAT2 is on the minus strand). VCF-style: chr5-151528034-C-A. GRCh37 (hg19) VCF-style: chr5-150907595-C-A.
Other names: c.10126G>T (NM_001447.2); short protein forms G3376W.
Identifiers: ClinVar variation 2047682 (VCV002047682.6), dbSNP rs1291250222, ClinGen allele CA361826133.
Genomic context (GRCh38, chr5:151,528,034, plus strand): 5'-GCGCCCCTCCCACATGACTCACCTGTTCCCGGTCCAGGGCCTTGGCCACCTGTAGCTCCC[C>A]CTTTTTGGGGTGAATGGTGAAGTGCCCAAGCTGGTTCCCTCCTATGAGGCTATAGGTAAT-3'
Protein context (NP_001438.1, residues 3366-3386): LGHFTIHPKK[Gly3376Trp]ELQVAKALDR